The following is an entry in ClinVar:

ClinVar aggregate classification (germline): Uncertain significance. Review status: criteria provided, multiple submitters, no conflicts (2 of 4 stars). 2 submissions from 2 submitters: Uncertain significance (2). Last evaluated 2025-11-01.

gnomAD v4.1: 14 of 1,604,052 alleles (0.00087%); highest among the groups gnomAD compares: Non-Finnish European, 0.0012%; no homozygotes.

Submissions (2):

CeGaT Center for Human Genetics Tuebingen
Classification: Uncertain significance. Last evaluated: 2025-11-01. Review status: criteria provided, single submitter. Criteria: CeGaT Center For Human Genetics Tuebingen Variant Classification Criteria Version 2. Collection method: clinical testing. Allele origin: germline. Affected: yes. Observed: 1 variant allele.
Comment: BTG4: PM2, BP4

Ambry Genetics
Classification: Uncertain significance. Last evaluated: 2024-06-17. Review status: criteria provided, single submitter. Criteria: Ambry Variant Classification Scheme 2023. Collection method: clinical testing. Allele origin: germline.

NM_001367975.1(BTG4):c.406A>G (p.Arg136Gly)

Gene: BTG4 (BTG anti-proliferation factor 4; minus strand). Cytogenetic location: 11q23.1.
Variant type: single nucleotide variant.
Coding change: c.406A>G on transcript NM_001367975.1 (MANE Select); coding-DNA position 406, A replaced by G.
Protein change: p.Arg136Gly; replaces arginine 136 with glycine.
Molecular consequence: missense variant.
Genome position (GRCh38, 1-based): chr11:111,497,315, T>C on the plus strand (A>G on the coding strand, the complement: BTG4 is on the minus strand). VCF-style: chr11-111497315-T-C. GRCh37 (hg19) VCF-style: chr11-111368040-T-C.
Other names: c.406A>G, p.Arg136Gly (NM_001367974.1, NM_001367976.1, NM_017589.4); short protein forms R136G.
Identifiers: ClinVar variation 3262044 (VCV003262044.7).